The following is an entry in ClinVar:

NM_001365951.3(KIF1B):c.3229C>T (p.Pro1077Ser)

Gene: KIF1B (kinesin family member 1B; plus strand). Cytogenetic location: 1p36.22.
Variant type: single nucleotide variant.
Coding change: c.3229C>T on transcript NM_001365951.3 (MANE Select); coding-DNA position 3229, C replaced by T.
Protein change: p.Pro1077Ser; replaces proline 1077 with serine.
Molecular consequence: missense variant.
Genome position (GRCh38, 1-based): chr1:10,337,173, C>T. VCF-style: chr1-10337173-C-T. GRCh37 (hg19) VCF-style: chr1-10397231-C-T.
Other names: c.3229C>T, p.Pro1077Ser (NM_001365952.1); c.3091C>T, p.Pro1031Ser (NM_015074.3); short protein forms P1031S, P1077S.
Identifiers: ClinVar variation 917340 (VCV000917340.4), dbSNP rs1652211900, ClinGen allele CA338340002.

ClinVar aggregate classification (germline): Uncertain significance. Review status: criteria provided, multiple submitters, no conflicts (2 of 4 stars). 2 submissions from 2 submitters: Uncertain significance (2). Last evaluated 2024-06-14.

Conditions:
Charcot-Marie-Tooth disease. Also called: Charcot-Marie-Tooth Hereditary Neuropathy; Charcot-Marie-Tooth Neuropathy. Identifiers: Orphanet 166, MedGen C0007959, MONDO:0015626.

Allele frequency attached by ClinVar (database versions not stated): gnomAD exomes 0.00001.
gnomAD v4.1: 12 of 1,614,094 alleles (0.00074%); highest among the groups gnomAD compares: Non-Finnish European, 0.001%; no homozygotes.

Submissions (2):

Ambry Genetics
Classification: Uncertain significance. Last evaluated: 2024-06-14. Review status: criteria provided, single submitter. Criteria: Ambry Variant Classification Scheme 2023. Collection method: clinical testing. Allele origin: germline.
Comment: The p.P1031S variant (also known as c.3091C>T), located in coding exon 27 of the KIF1B gene, results from a C to T substitution at nucleotide position 3091. The proline at codon 1031 is replaced by serine, an amino acid with similar properties. This amino acid position is not well conserved in available vertebrate species. In addition, this alteration is predicted to be tolerated by in silico analysis. Since supporting evidence is limited at this time, the clinical significance of this alteration remains unclear.

Molecular Genetics Laboratory, London Health Sciences Centre
Classification: Uncertain significance for Charcot-Marie-Tooth disease. Review status: criteria provided, single submitter. Criteria: ACMG Guidelines, 2015. Collection method: clinical testing. Allele origin: germline. Affected: yes.